The following is an entry in ClinVar:

NM_174936.4(PCSK9):c.628G>A (p.Glu210Lys)

Gene: PCSK9 (proprotein convertase subtilisin/kexin type 9; plus strand). Cytogenetic location: 1p32.3.
Variant type: single nucleotide variant.
Coding change: c.628G>A on transcript NM_174936.4 (MANE Select); coding-DNA position 628, G replaced by A.
Protein change: p.Glu210Lys; replaces glutamic acid 210 with lysine.
Molecular consequence: missense variant.
Genome position (GRCh38, 1-based): chr1:55,052,382, G>A. VCF-style: chr1-55052382-G-A. GRCh37 (hg19) VCF-style: chr1-55518055-G-A.
Other names: c.751G>A, p.Glu251Lys (NM_001407240.1); c.628G>A, p.Glu210Lys (NM_001407241.1, NM_001407242.1, NM_001407244.1 and 1 more transcripts); c.571G>A, p.Glu191Lys (NM_001407243.1); c.436G>A, p.Glu146Lys (NM_001407245.1); c.253G>A, p.Glu85Lys (NM_001407246.1); short protein forms E210K, E146K, E85K, E191K, E251K.
Identifiers: ClinVar variation 927999 (VCV000927999.13), dbSNP rs1302868036, ClinGen allele CA340473544.
Genomic context (GRCh38, chr1:55,052,382, plus strand): 5'-CAGAGTGACCACCGGGAAATCGAGGGCAGGGTCATGGTCACCGACTTCGAGAATGTGCCC[G>A]AGGAGGACGGGACCCGCTTCCACAGACAGGTAAGCACGGCCGTCTGATGGGAGGGCTGCC-3'
Protein context (NP_777596.2, residues 200-220): VMVTDFENVP[Glu210Lys]EDGTRFHRQA

ClinVar aggregate classification (germline): Uncertain significance. Review status: criteria provided, multiple submitters, no conflicts (2 of 4 stars). 5 submissions from 5 submitters: Uncertain significance (5). Last evaluated 2025-12-26.

Conditions:
Hypercholesterolemia, autosomal dominant, 3 (FHCL3). Also called: PCSK9-Related Familial Hypercholesterolemia, Autosomal Dominant; Familial hypercholesterolemia 3; Familial Hypercholesterolemia, Autosomal Dominant, 3. Identifiers: MedGen C1863551, MONDO:0011369, OMIM 603776.
Cardiovascular phenotype. Identifiers: MedGen CN230736.
Familial hypercholesterolemia. Also called: Familial hypercholesterolaemia; Familial hypercholesterolemias. Identifiers: MedGen C0020445, MONDO:0005439.

Allele frequency attached by ClinVar (database versions not stated): gnomAD 0.00001; gnomAD exomes 0.00001 and 0.00002; TOPMed 0.00003.
gnomAD v4.1: 17 of 1,613,746 alleles (0.0011%); highest among the groups gnomAD compares: South Asian, 0.0044%; no homozygotes.

Submissions (5):

Color Diagnostics, LLC DBA Color Health
Classification: Uncertain significance for Familial hypercholesterolemia. Last evaluated: 2025-12-26. Review status: criteria provided, single submitter. Criteria: ACMG Guidelines, 2015. Collection method: clinical testing. Allele origin: germline.
Comment: This missense variant replaces glutamic acid with lysine at codon 210 of the PCSK9 protein. Computational prediction suggests that this variant may not impact protein structure and function. To our knowledge, functional studies have not been reported for this variant. This variant has not been reported in individuals affected with familial hypercholesterolemia in the literature. This variant has been identified in 6/282568 chromosomes in the general population by the Genome Aggregation Database (gnomAD). The available evidence is insufficient to determine the role of this variant in disease conclusively. Therefore, this variant is classified as a Variant of Uncertain Significance.

Ambry Genetics
Classification: Uncertain significance for Cardiovascular phenotype. Last evaluated: 2025-05-24. Review status: criteria provided, single submitter. Criteria: Ambry Variant Classification Scheme 2023. Collection method: clinical testing. Allele origin: germline.
Comment: The p.E210K variant (also known as c.628G>A), located in coding exon 4 of the PCSK9 gene, results from a G to A substitution at nucleotide position 628. The glutamic acid at codon 210 is replaced by lysine, an amino acid with similar properties. This amino acid position is conserved. In addition, this alteration is predicted to be tolerated by in silico analysis. Since supporting evidence is limited at this time, the clinical significance of this alteration remains unclear.

Labcorp Genetics (formerly Invitae), Labcorp
Classification: Uncertain significance for Hypercholesterolemia, autosomal dominant, 3. Last evaluated: 2024-10-16. Review status: criteria provided, single submitter. Criteria: Invitae Variant Classification Sherloc (09022015). Collection method: clinical testing. Allele origin: germline.
Comment: This sequence change replaces glutamic acid, which is acidic and polar, with lysine, which is basic and polar, at codon 210 of the PCSK9 protein (p.Glu210Lys). This variant is present in population databases (no rsID available, gnomAD 0.01%). This variant has not been reported in the literature in individuals affected with PCSK9-related conditions. ClinVar contains an entry for this variant (Variation ID: 927999). Invitae Evidence Modeling of protein sequence and biophysical properties (such as structural, functional, and spatial information, amino acid conservation, physicochemical variation, residue mobility, and thermodynamic stability) indicates that this missense variant is not expected to disrupt PCSK9 protein function with a negative predictive value of 80%. In summary, the available evidence is currently insufficient to determine the role of this variant in disease. Therefore, it has been classified as a Variant of Uncertain Significance.

Women's Health and Genetics/Laboratory Corporation of America, LabCorp
Classification: Uncertain significance. Last evaluated: 2024-07-27. Review status: criteria provided, single submitter. Criteria: LabCorp Variant Classification Summary - May 2015. Collection method: clinical testing. Allele origin: germline.

All of Us Research Program, National Institutes of Health
Classification: Uncertain significance for Hypercholesterolemia, autosomal dominant, 3. Last evaluated: 2023-11-02. Review status: criteria provided, single submitter. Criteria: ACMG Guidelines, 2015. Collection method: clinical testing. Allele origin: germline. Inheritance: Autosomal dominant inheritance. Observed: 3 variant alleles, 3 heterozygotes.
Comment: This missense variant replaces glutamic acid with lysine at codon 210 of the PCSK9 protein. Computational prediction suggests that this variant may not impact protein structure and function (internally defined REVEL score threshold <= 0.5, PMID: 27666373). To our knowledge, functional studies have not been reported for this variant. This variant has not been reported in individuals affected with familial hypercholesterolemia in the literature. This variant has been identified in 6/282568 chromosomes in the general population by the Genome Aggregation Database (gnomAD). The available evidence is insufficient to determine the role of this variant in disease conclusively. Therefore, this variant is classified as a Variant of Uncertain Significance.

This study involves interpretation of variants in research participants for the purpose of population health screening. Participant phenotype was not available at the time of variant classification. Additional details can be found in publication PMID: 35346344, PMCID: PMC8962531